The following is an entry in ClinVar:

NM_052867.4(NALCN):c.524G>A (p.Gly175Glu)

Gene: NALCN (sodium leak channel, non-selective; minus strand). Cytogenetic location: 13q33.1.
Variant type: single nucleotide variant.
Coding change: c.524G>A on transcript NM_052867.4 (MANE Select); coding-DNA position 524, G replaced by A.
Protein change: p.Gly175Glu; replaces glycine 175 with glutamic acid.
Molecular consequence: missense variant.
Genome position (GRCh38, 1-based): chr13:101,376,820, C>T on the plus strand (G>A on the coding strand, the complement: NALCN is on the minus strand). VCF-style: chr13-101376820-C-T. GRCh37 (hg19) VCF-style: chr13-102029171-C-T.
Other names: c.524G>A, p.Gly175Glu (NM_001350748.2, NM_001350749.2, NM_001350750.2 and 1 more transcripts); short protein forms G175E.
Identifiers: ClinVar variation 3906804 (VCV003906804.1).

ClinVar aggregate classification (germline): Uncertain significance (1 of 4 stars; one submission).

Submission:

GeneDx
Classification: Uncertain significance. Last evaluated: 2024-12-20. Review status: criteria provided, single submitter. Criteria: GeneDx Variant Classification Process June 2021. Collection method: clinical testing. Allele origin: germline. Affected: yes.
Comment: Not observed at significant frequency in large population cohorts (gnomAD); In silico analysis indicates that this missense variant does not alter protein structure/function; Has not been previously published as pathogenic or benign to our knowledge